The following is an entry in ClinVar:

ClinVar aggregate classification (germline): Benign. Review status: criteria provided, multiple submitters, no conflicts (2 of 4 stars). 2 submissions from 2 submitters: Benign (2). Last evaluated 2018-06-16.

Allele frequency attached by ClinVar (database versions not stated): 1000 Genomes Project 0.06410; 1000 Genomes Project 30x 0.06636; gnomAD exomes 0.06905; TOPMed 0.07185; ExAC 0.07266; gnomAD 0.07398 and 0.07567; ESP Exome Variant Server 0.07493.

Submissions (2):

GeneDx
Classification: Benign. Last evaluated: 2018-06-16. Review status: criteria provided, single submitter. Criteria: GeneDx Variant Classification (06012015). Collection method: clinical testing. Allele origin: germline. Affected: yes.
Comment: This variant is considered likely benign or benign based on one or more of the following criteria: it is a conservative change, it occurs at a poorly conserved position in the protein, it is predicted to be benign by multiple in silico algorithms, and/or has population frequency not consistent with disease.

Breakthrough Genomics
Classification: Benign. Review status: criteria provided, single submitter. Criteria: ACMG Guidelines, 2015. Collection method: not provided. Allele origin: germline. Inheritance: Autosomal recessive inheritance. Affected: yes.

NM_031475.3(ESPN):c.2418-35C>A

Gene: ESPN (espin; plus strand). Cytogenetic location: 1p36.31.
Variant type: single nucleotide variant.
Coding change: c.2418-35C>A on transcript NM_031475.3 (MANE Select); 35 bases into the intron before coding-DNA position 2418, C replaced by A.
Molecular consequence: intron variant.
Genome position (GRCh38, 1-based): chr1:6,459,964, C>A. VCF-style: chr1-6459964-C-A. GRCh37 (hg19) VCF-style: chr1-6520024-C-A.
Other names: c.2355-35C>A (NM_001367474.1); c.2328-35C>A (NM_001367473.1).
Identifiers: ClinVar variation 682802 (VCV000682802.2), dbSNP rs3138159, ClinGen allele CA560512.